The following continues an entry in ClinVar:

NM_000135.4(FANCA):c.3391A>G (p.Thr1131Ala)

ClinVar aggregate classification (germline): Pathogenic/Likely pathogenic. Pathogenic (14); Likely pathogenic (3).

Submissions 14 to 18 of 18:

Myriad Genetics, Inc.
Classification: Pathogenic for Fanconi anemia complementation group A. Last evaluated: 2021-10-01. Review status: criteria provided, single submitter. Criteria: Myriad Women's Health Autosomal Recessive and X-Linked Classification Criteria (2021). Collection method: clinical testing. Allele origin: unknown.
Comment: NM_000135.2(FANCA):c.3391A>G(T1131A) is a missense variant classified as pathogenic in the context of Fanconi anemia complementation group A. T1131A has been observed in cases with relevant disease (PMID: 22778927, 19367192, 15643609, 19278965, 19367192). Functional assessments of this variant are available in the literature (PMID: 12444097). T1131A has been observed in population frequency databases (gnomAD: NFE 0.01%). In summary, NM_000135.2(FANCA):c.3391A>G(T1131A) is a missense variant that has been observed more frequently in cases with the relevant disease than in healthy populations. Please note: this variant was assessed in the context of healthy population screening.

Genetic Services Laboratory, University of Chicago
Classification: Likely pathogenic. Last evaluated: 2020-05-06. Review status: criteria provided, single submitter. Criteria: ACMG Guidelines, 2015. Collection method: clinical testing. Allele origin: germline. Affected: yes.
Comment: DNA sequence analysis of the FANCA gene demonstrated a sequence change, c.3391A>G, in exon 34 that results in an amino acid change, p.Thr1131Ala. This sequence change has been previously described in several patients with a clinical diagnosis of Fanconi anemia (PMIDs: 19278965, 9371798, 15643609); in some patients in a biallelic state with multi-exonic deletions (PMIDs: 17924555, 19367192) and in one patient in a homozygous state (PMID: 22778927). Some experimental studies showed that the mutant protein behaved similar to wild type-FANCA with respect to its interaction with FANCC, phosphorylation and localization to the nuclei (PMID: 12444097); however, authors proposed that further studies analyzing its mRNA and protein expression are required. The p.Thr1131Ala change affects a highly conserved amino acid residue located in a domain of the FANCA protein that is known to be functional. In-silico pathogenicity prediction tools (SIFT, PolyPhen2, Align GVGD, REVEL) provide contradictory results for the p.Thr1131Ala substitution. This sequence change has been described in the gnomAD database with a low population frequency of 0.0083% (dbSNP rs574034197). These collective evidences indicate that this sequence change is likely pathogenic.

Mayo Clinic Laboratories, Mayo Clinic
Classification: Pathogenic. Last evaluated: 2019-07-26. Review status: criteria provided, single submitter. Criteria: ACMG Guidelines, 2015. Collection method: clinical testing. Allele origin: germline. Observed: 1 variant allele.
Comment: PS3, PS4, PM1, PM2,

Knight Diagnostic Laboratories, Oregon Health and Sciences University
Classification: Pathogenic. Last evaluated: 2016-08-03. Review status: criteria provided, single submitter. Criteria: ACMG Guidelines, 2015. Collection method: clinical testing. Allele origin: germline. Observed: 1 variant allele.

Leiden Open Variation Database
Classification: Pathogenic for Fanconi anemia complementation group A. Last evaluated: 2020-02-28. Review status: no assertion criteria provided. Collection method: curation. Allele origin: germline. Affected: yes. Not counted in ClinVar's aggregate classification.
Comment: Curator: Arleen D. Auerbach. Submitters to LOVD: Arleen D. Auerbach, Johan de Winter, Sue Richards.

Literature cited by the submitters: PubMed 1792455 (cited by Labcorp Genetics (formerly Invitae), Labcorp); PubMed 1927896 (cited by Labcorp Genetics (formerly Invitae), Labcorp); PubMed 9371798 (cited by 3 submitters); PubMed 12444097 (cited by 6 submitters); PubMed 15643609 (cited by 5 submitters); PubMed 19367192 (cited by 3 submitters); PubMed 22778927 (cited by 7 submitters); PubMed 29098742 (cited by 4 submitters); PubMed 36513378 (cited by Women's Health and Genetics/Laboratory Corporation of America, LabCorp); PubMed 31192125 (cited by Quest Diagnostics Nichols Institute San Juan Capistrano and Mayo Clinic Laboratories, Mayo Clinic); PubMed 27577878 (cited by Quest Diagnostics Nichols Institute San Juan Capistrano and Sema4); PubMed 26556299 (cited by Quest Diagnostics Nichols Institute San Juan Capistrano); PubMed 25525159 (cited by Quest Diagnostics Nichols Institute San Juan Capistrano); PubMed 19278965 (cited by Quest Diagnostics Nichols Institute San Juan Capistrano and Myriad Genetics, Inc.); PubMed 17924555 (cited by 3 submitters); PubMed 28864460 (cited by Sema4); PubMed 28239445 (cited by Mayo Clinic Laboratories, Mayo Clinic).